The following is an entry in ClinVar:

NM_022437.3(ABCG8):c.1199C>A (p.Thr400Lys)

Gene: ABCG8 (ATP binding cassette subfamily G member 8; plus strand). Cytogenetic location: 2p21.
Variant type: single nucleotide variant.
Coding change: c.1199C>A on transcript NM_022437.3 (MANE Select); coding-DNA position 1199, C replaced by A.
Protein change: p.Thr400Lys; replaces threonine 400 with lysine.
Molecular consequence: missense variant.
Genome position (GRCh38, 1-based): chr2:43,872,294, C>A. VCF-style: chr2-43872294-C-A. GRCh37 (hg19) VCF-style: chr2-44099433-C-A.
Other names: c.1196C>A, p.Thr399Lys (NM_001357321.2); short protein forms T400K, T399K.
Identifiers: ClinVar variation 198902 (VCV000198902.33), dbSNP rs4148217, ClinGen allele CA203669.

ClinVar aggregate classification (germline): Benign/Likely benign. Review status: criteria provided, multiple submitters, no conflicts (2 of 4 stars). 14 submissions from 14 submitters: Benign (9); Likely benign (2). 3 of the submissions do not count toward it. Last evaluated 2026-02-04.

Conditions:
Sitosterolemia 1. Identifiers: MedGen C2749759, MONDO:0020747, OMIM 210250.
Cardiovascular phenotype. Identifiers: MedGen CN230736.

Allele frequency attached by ClinVar (database versions not stated): 1000 Genomes Project 0.21565; ESP Exome Variant Server 0.21905; 1000 Genomes Project 30x 0.22220; TOPMed 0.23157.
gnomAD v4.1: 311,752 of 1,613,206 alleles (19%); highest among the groups gnomAD compares: Admixed American, 33%; 31,756 homozygotes.

Submissions (14):

Labcorp Genetics (formerly Invitae), Labcorp
Classification: Benign. Last evaluated: 2026-02-04. Review status: criteria provided, single submitter. Criteria: Invitae Variant Classification Sherloc (09022015). Collection method: clinical testing. Allele origin: germline.

Molecular Diagnostic Laboratory for Inherited Cardiovascular Disease, Montreal Heart Institute
Classification: Benign. Last evaluated: 2025-04-09. Review status: criteria provided, single submitter. Criteria: ACMG Guidelines, 2015. Collection method: clinical testing. Allele origin: germline. Affected: no.

Blueprint Genetics
Classification: Likely benign. Last evaluated: 2024-11-26. Review status: criteria provided, single submitter. Criteria: ACMG Guidelines, 2015. Collection method: clinical testing. Allele origin: germline.

Mayo Clinic Laboratories, Mayo Clinic
Classification: Benign. Last evaluated: 2024-10-23. Review status: criteria provided, single submitter. Criteria: ACMG Guidelines, 2015. Collection method: clinical testing. Allele origin: germline. Observed: 885 variant alleles.
Comment: BA1, BP4

Women's Health and Genetics/Laboratory Corporation of America, LabCorp
Classification: Likely benign. Last evaluated: 2023-04-04. Review status: criteria provided, single submitter. Criteria: LabCorp Variant Classification Summary - May 2015. Collection method: clinical testing. Allele origin: germline.

Genome-Nilou Lab
Classification: Benign for Sitosterolemia 1. Last evaluated: 2021-07-14. Review status: criteria provided, single submitter. Criteria: ACMG Guidelines, 2015. Collection method: clinical testing. Allele origin: germline. Affected: no.

Ambry Genetics
Classification: Benign for Cardiovascular phenotype. Last evaluated: 2018-12-03. Review status: criteria provided, single submitter. Criteria: Ambry Variant Classification Scheme 2023. Collection method: clinical testing. Allele origin: germline.

GeneDx
Classification: Benign. Last evaluated: 2018-07-05. Review status: criteria provided, single submitter. Criteria: GeneDx Variant Classification Process June 2021. Collection method: clinical testing. Allele origin: germline. Affected: yes.
Comment: This variant is associated with the following publications: (PMID: 24498041, 25525159, 11893785, 24691589)

Illumina Laboratory Services, Illumina
Classification: Benign for Sitosterolemia 1. Last evaluated: 2018-03-06. Review status: criteria provided, single submitter. Criteria: ICSL Variant Classification Criteria 13 December 2019. Collection method: clinical testing. Allele origin: germline.
Comment: This variant was observed in the ICSL laboratory as part of a predisposition screen in an ostensibly healthy population. It had not been previously curated by ICSL or reported in the Human Gene Mutation Database (HGMD: prior to June 1st, 2018), and was therefore a candidate for classification through an automated scoring system. Utilizing variant allele frequency, disease prevalence and penetrance estimates, and inheritance mode, an automated score was calculated to assess if this variant is too frequent to cause the disease. Based on the score and internal cut-off values, a variant classified as benign is not then subjected to further curation. The score for this variant resulted in a classification of benign for this disease.

Eurofins Ntd Llc (ga)
Classification: Benign. Last evaluated: 2014-12-12. Review status: criteria provided, single submitter. Criteria: EGL Classification Definitions 2015. Collection method: clinical testing. Allele origin: germline. Observed: 1 variant allele, 1 heterozygote.

Breakthrough Genomics
Classification: Benign. Review status: criteria provided, single submitter. Criteria: ACMG Guidelines, 2015. Collection method: not provided. Allele origin: germline. Inheritance: Autosomal recessive inheritance. Affected: yes.

Clinical Genetics, Academic Medical Center
Classification: Benign. Review status: no assertion criteria provided. Collection method: clinical testing. Allele origin: germline. Affected: yes. Study: VKGL Data-share Consensus. Not counted in ClinVar's aggregate classification.

Diagnostic Laboratory, Department of Genetics, University Medical Center Groningen
Classification: Benign. Review status: no assertion criteria provided. Collection method: clinical testing. Allele origin: germline. Affected: yes. Study: VKGL Data-share Consensus. Not counted in ClinVar's aggregate classification.

Joint Genome Diagnostic Labs from Nijmegen and Maastricht, Radboudumc and MUMC+
Classification: Benign. Review status: no assertion criteria provided. Collection method: clinical testing. Allele origin: germline. Affected: yes. Study: VKGL Data-share Consensus. Not counted in ClinVar's aggregate classification.